The following is an entry in ClinVar:

NM_000051.4(ATM):c.8315G>A (p.Gly2772Glu)

Genes: ATM (ATM serine/threonine kinase; plus strand), C11orf65 (chromosome 11 open reading frame 65; minus strand). Cytogenetic location: 11q22.3.
Variant type: single nucleotide variant.
Coding change: c.8315G>A on transcript NM_000051.4 (MANE Select); coding-DNA position 8315, G replaced by A.
Protein change: p.Gly2772Glu; replaces glycine 2772 with glutamic acid.
Molecular consequence: missense variant. On other transcripts: intron variant (2).
Genome position (GRCh38, 1-based): chr11:108,343,268, G>A. VCF-style: chr11-108343268-G-A. GRCh37 (hg19) VCF-style: chr11-108213995-G-A.
Other names: c.8315G>A, p.Gly2772Glu (NM_001351834.2); c.641-34197C>T (NM_001330368.2); c.695-7976C>T (NM_001351110.2); short protein forms G2772E.
Identifiers: ClinVar variation 489597 (VCV000489597.13), dbSNP rs775293524, ClinGen allele CA6266351.
Genomic context (GRCh38, chr11:108,343,268, plus strand): 5'-ATCTGTAACTCCAGGTGGTTCCCCTCTCTCAGCGAAGTGGTGTTCTTGAATGGTGCACAG[G>A]AACTGTCCCCATTGGTGAATTTCTTGTTAACAATGAAGATGGTGCTCATAAAAGATACAG-3'
Protein context (NP_000042.3, residues 2762-2782): QRSGVLEWCT[Gly2772Glu]TVPIGEFLVN

ClinVar aggregate classification (germline): Uncertain significance. Review status: criteria provided, multiple submitters, no conflicts (2 of 4 stars). 3 submissions from 3 submitters: Uncertain significance (3). Last evaluated 2025-02-09.

Conditions:
Hereditary cancer-predisposing syndrome. Also called: Neoplastic Syndromes, Hereditary; Hereditary Cancer Syndrome; Tumor predisposition; Hereditary neoplastic syndrome. Identifiers: Orphanet 140162, MedGen C0027672, MeSH D009386, MONDO:0015356.
Ataxia-telangiectasia syndrome (AT). Also called: LOUIS-BAR SYNDROME; Cerebello-oculocutaneous telangiectasia; Immunodeficiency with ataxia telangiectasia; Ataxia-telangiectasia, complementation group D; AT, COMPLEMENTATION GROUP C; Ataxia-telangiectasia, complementation group E. Identifiers: Orphanet 100, MedGen C0004135, MONDO:0008840, OMIM 208900.

Allele frequency attached by ClinVar (database versions not stated): gnomAD exomes below 0.00001; ExAC 0.00001.

Submissions (3):

Labcorp Genetics (formerly Invitae), Labcorp
Classification: Uncertain significance for Ataxia-telangiectasia syndrome. Last evaluated: 2025-02-09. Review status: criteria provided, single submitter. Criteria: Invitae Variant Classification Sherloc (09022015). Collection method: clinical testing. Allele origin: germline.
Comment: This sequence change replaces glycine, which is neutral and non-polar, with glutamic acid, which is acidic and polar, at codon 2772 of the ATM protein (p.Gly2772Glu). This variant is present in population databases (rs775293524, gnomAD 0.0009%). This variant has not been reported in the literature in individuals affected with ATM-related conditions. ClinVar contains an entry for this variant (Variation ID: 489597). Invitae Evidence Modeling of protein sequence and biophysical properties (such as structural, functional, and spatial information, amino acid conservation, physicochemical variation, residue mobility, and thermodynamic stability) has been performed for this missense variant. However, the output from this modeling did not meet the statistical confidence thresholds required to predict the impact of this variant on ATM protein function. In summary, the available evidence is currently insufficient to determine the role of this variant in disease. Therefore, it has been classified as a Variant of Uncertain Significance.

Ambry Genetics
Classification: Uncertain significance for Hereditary cancer-predisposing syndrome. Last evaluated: 2021-03-31. Review status: criteria provided, single submitter. Criteria: Ambry Variant Classification Scheme 2023. Collection method: clinical testing. Allele origin: germline.

Color Diagnostics, LLC DBA Color Health
Classification: Uncertain significance for Hereditary cancer-predisposing syndrome. Last evaluated: 2019-05-08. Review status: criteria provided, single submitter. Criteria: ACMG Guidelines, 2015. Collection method: clinical testing. Allele origin: germline.